The following is an entry in ClinVar:

NM_004991.4(MECOM):c.2234C>T (p.Thr745Ile)

Gene: MECOM (MDS1 and EVI1 complex locus; minus strand). Cytogenetic location: 3q26.2.
Variant type: single nucleotide variant.
Coding change: c.2234C>T on transcript NM_004991.4 (MANE Select); coding-DNA position 2234, C replaced by T.
Protein change: p.Thr745Ile; replaces threonine 745 with isoleucine.
Molecular consequence: missense variant.
Genome position (GRCh38, 1-based): chr3:169,115,638, G>A on the plus strand (C>T on the coding strand, the complement: MECOM is on the minus strand). VCF-style: chr3-169115638-G-A. GRCh37 (hg19) VCF-style: chr3-168833426-G-A.
Other names: c.1865C>T, p.Thr622Ile (NM_001105077.4); c.1670C>T, p.Thr557Ile (NM_001105078.4, NM_001164000.2, NM_001205194.2 and 4 more transcripts); c.1673C>T, p.Thr558Ile (NM_001163999.2, NM_001366467.2, NM_001366468.2 and 1 more transcripts); c.2234C>T, p.Thr745Ile (NM_001366466.2); c.1262C>T, p.Thr421Ile (NM_001366473.2); c.698C>T, p.Thr233Ile (NM_001366474.2); short protein forms T557I, T622I, T745I, T233I, T558I, T421I.
Identifiers: ClinVar variation 3394362 (VCV003394362.1).

ClinVar aggregate classification (germline): Uncertain significance (1 of 4 stars; one submission).

Conditions:
Inborn genetic diseases. Identifiers: MedGen C0950123, MeSH D030342.

Submission:

Ambry Genetics
Classification: Uncertain significance for Inborn genetic diseases. Last evaluated: 2024-12-02. Review status: criteria provided, single submitter. Criteria: Ambry Variant Classification Scheme 2023. Collection method: clinical testing. Allele origin: germline.
Comment: The p.T745I variant (also known as c.2234C>T), located in coding exon 8 of the MECOM gene, results from a C to T substitution at nucleotide position 2234. The threonine at codon 745 is replaced by isoleucine, an amino acid with similar properties. This amino acid position is conserved. In addition, the in silico prediction for this alteration is inconclusive. Based on the available evidence, the clinical significance of this variant remains unclear.